The following is an entry in ClinVar:

ClinVar aggregate classification (germline): Likely benign (0 of 4 stars; one submission).

Conditions:
COL2A1-related disorder. Also called: COL2A1-related condition; COL2A1-related disorders.

Allele frequency attached by ClinVar (database versions not stated): ExAC 0.00002.
gnomAD v4.1: 1 of 1,613,390 alleles (0.000062%); highest among the groups gnomAD compares: South Asian, 0.0011%; no homozygotes.

Submission:

PreventionGenetics, part of Exact Sciences
Classification: Likely benign for COL2A1-related condition. Last evaluated: 2019-06-10. Review status: no assertion criteria provided. Collection method: clinical testing. Allele origin: germline.
Comment: This variant is classified as likely benign based on ACMG/AMP sequence variant interpretation guidelines (Richards et al. 2015 PMID: 25741868, with internal and published modifications).

NM_001844.5(COL2A1):c.2050-6C>T

Gene: COL2A1 (collagen type II alpha 1 chain; minus strand). Cytogenetic location: 12q13.11.
Variant type: single nucleotide variant.
Coding change: c.2050-6C>T on transcript NM_001844.5 (MANE Select); 6 bases into the intron before coding-DNA position 2050, C replaced by T.
Molecular consequence: intron variant.
Genome position (GRCh38, 1-based): chr12:47,983,143, G>A on the plus strand (C>T on the coding strand, the complement: COL2A1 is on the minus strand). VCF-style: chr12-47983143-G-A. GRCh37 (hg19) VCF-style: chr12-48376926-G-A.
Other names: c.1843-6C>T (NM_033150.3).
Identifiers: ClinVar variation 3033661 (VCV003033661.2), dbSNP rs749523774, ClinGen allele CA6535256.